The following is an entry in ClinVar:

NM_002519.3(NPAT):c.1903C>T (p.Pro635Ser)

Gene: NPAT (nuclear protein, coactivator of histone transcription; minus strand). Cytogenetic location: 11q22.3.
Variant type: single nucleotide variant.
Coding change: c.1903C>T on transcript NM_002519.3 (MANE Select); coding-DNA position 1903, C replaced by T.
Protein change: p.Pro635Ser; replaces proline 635 with serine.
Molecular consequence: missense variant.
Genome position (GRCh38, 1-based): chr11:108,173,081, G>A on the plus strand (C>T on the coding strand, the complement: NPAT is on the minus strand). VCF-style: chr11-108173081-G-A. GRCh37 (hg19) VCF-style: chr11-108043808-G-A.
Other names: c.1903C>T, p.Pro635Ser (NM_001321307.1); short protein forms P635S.
Identifiers: ClinVar variation 2078606 (VCV002078606.5), dbSNP rs562490380, ClinGen allele CA6263922.
Genomic context (GRCh38, chr11:108,173,081, plus strand): 5'-TGGATGCCTGAGCTTCATTTTCTGTATGATTTAACTCAACAGATGCTGAATCATTAGATG[G>A]TTGTTTAGTAGAAGACAGCGAATCTCCAAGATGAATTTCTACTTGTCCAGATACATTTAA-3'
Protein context (NP_002510.2, residues 625-645): LGDSLSSTKQ[Pro635Ser]SNDSASVELN

ClinVar aggregate classification (germline): Uncertain significance. Review status: criteria provided, multiple submitters, no conflicts (2 of 4 stars). 2 submissions from 2 submitters: Uncertain significance (2). Last evaluated 2023-03-12.

Allele frequency attached by ClinVar (database versions not stated): ExAC 0.00015; gnomAD 0.00005; TOPMed 0.00006; 1000 Genomes Project 30x 0.00016; 1000 Genomes Project 0.00020.
gnomAD v4.1: 54 of 1,614,062 alleles (0.0033%); highest among the groups gnomAD compares: East Asian, 0.056%; no homozygotes.

Submissions (2):

Ambry Genetics
Classification: Uncertain significance. Last evaluated: 2023-03-12. Review status: criteria provided, single submitter. Criteria: Ambry Variant Classification Scheme 2023. Collection method: clinical testing. Allele origin: germline.
Comment: The p.P635S variant (also known as c.1903C>T), located in coding exon 13 of the NPAT gene, results from a C to T substitution at nucleotide position 1903. The proline at codon 635 is replaced by serine, an amino acid with similar properties. This amino acid position is conserved. In addition, this alteration is predicted to be tolerated by in silico analysis. Since supporting evidence is limited at this time, the clinical significance of this alteration remains unclear.

Labcorp Genetics (formerly Invitae), Labcorp
Classification: Uncertain significance. Last evaluated: 2022-06-28. Review status: criteria provided, single submitter. Criteria: Invitae Variant Classification Sherloc (09022015). Collection method: clinical testing. Allele origin: germline.
Comment: In summary, the available evidence is currently insufficient to determine the role of this variant in disease. Therefore, it has been classified as a Variant of Uncertain Significance. Algorithms developed to predict the effect of missense changes on protein structure and function (SIFT, PolyPhen-2, Align-GVGD) all suggest that this variant is likely to be tolerated. This variant has not been reported in the literature in individuals affected with NPAT-related conditions. This variant is present in population databases (rs562490380, gnomAD 0.1%), and has an allele count higher than expected for a pathogenic variant. This sequence change replaces proline, which is neutral and non-polar, with serine, which is neutral and polar, at codon 635 of the NPAT protein (p.Pro635Ser).